The following is an entry in ClinVar:

ClinVar aggregate classification (germline): Uncertain significance (1 of 4 stars; one submission).

Conditions:
Hereditary cancer-predisposing syndrome. Also called: Tumor predisposition; Hereditary Cancer Syndrome; Neoplastic Syndromes, Hereditary; Hereditary neoplastic syndrome. Identifiers: Orphanet 140162, MedGen C0027672, MeSH D009386, MONDO:0015356.

Submission:

Color Diagnostics, LLC DBA Color Health
Classification: Uncertain significance for Hereditary cancer-predisposing syndrome. Last evaluated: 2025-04-14. Review status: criteria provided, single submitter. Criteria: ACMG Guidelines, 2015. Collection method: clinical testing. Allele origin: germline.
Comment: This variant causes an in-frame deletion of 1 amino acid at exon 5 of the BARD1 protein. To our knowledge, functional studies have not been reported for this variant. This variant has not been reported in individuals affected with BARD1-related disorders in the literature. This variant has not been identified in the general population by the Genome Aggregation Database (gnomAD). The available evidence is insufficient to determine the role of this variant in disease conclusively. Therefore, this variant is classified as a Variant of Uncertain Significance.

NM_000465.4(BARD1):c.417GAA[3] (p.Lys140_Asn141insLys)

Gene: BARD1 (BRCA1 associated RING domain 1; minus strand). Cytogenetic location: 2q35.
Variant type: Microsatellite.
Coding change: c.417GAA[3] on transcript NM_000465.4 (MANE Select); three copies in a row of the 3-base unit GAA starting at c.417; the reference has two copies in a row; one copy, 3 bases duplicated; also written c.420_422dup.
Protein change: p.Lys140_Asn141insLys.
Molecular consequence: inframe insertion. On other transcripts: non-coding transcript variant (2), intron variant (3).
Genome position (GRCh38, 1-based): chr2:214,781,452-214,781,454, TTC duplicated on the plus strand (GAA on the coding strand, the reverse complement: BARD1 is on the minus strand); duplicating any 3 consecutive bases within chr2:214,781,452-214,781,459 gives the same sequence; the position shown is the placement nearest the transcript's 3' end. VCF-style (leftmost placement, unchanged base first): chr2-214781451-A-ATTC. GRCh37 (hg19) VCF-style: chr2-215646175-A-ATTC.
Other names: c.360GAA[3], p.Lys121_Asn122insLys (NM_001282543.2); c.158+27955GAA[3] (NM_001282548.2); c.215+15604GAA[3] (NM_001282545.2); c.364+10840GAA[3] (NM_001282549.2); c.420_422dup (NM_000465.4).
Identifiers: ClinVar variation 4756618 (VCV004756618.1).